The following is an entry in ClinVar:

NM_013275.6(ANKRD11):c.1649A>G (p.Asn550Ser)

Gene: ANKRD11 (ankyrin repeat domain 11; minus strand). Cytogenetic location: 16q24.3.
Variant type: single nucleotide variant.
Coding change: c.1649A>G on transcript NM_013275.6 (MANE Select); coding-DNA position 1649, A replaced by G.
Protein change: p.Asn550Ser; replaces asparagine 550 with serine.
Molecular consequence: missense variant.
Genome position (GRCh38, 1-based): chr16:89,284,893, T>C on the plus strand (A>G on the coding strand, the complement: ANKRD11 is on the minus strand). VCF-style: chr16-89284893-T-C. GRCh37 (hg19) VCF-style: chr16-89351301-T-C.
Other names: c.1649A>G, p.Asn550Ser (NM_001256182.2, NM_001256183.2); short protein forms N550S.
Identifiers: ClinVar variation 1777200 (VCV001777200.5), dbSNP rs201357873, ClinGen allele CA8242726.
Genomic context (GRCh38, chr16:89,284,893, plus strand): 5'-CTTGTGGAGTCTGATAAAGAACTGACCTCTGACCAAGCCGGGGAAGAAATGGTTTTCCAA[T>C]TGTCTGTCCGCCAGTGCTTGGTGTGCTGGTCTGTGTGGCTGGGGTTCTGCTTCTGGGCGG-3'
Protein context (NP_037407.4, residues 540-560): DQHTKHWRTD[Asn550Ser]WKTISSPAWS

ClinVar aggregate classification (germline): Uncertain significance. Review status: criteria provided, multiple submitters, no conflicts (2 of 4 stars). 2 submissions from 2 submitters: Uncertain significance (2). Last evaluated 2025-08-13.

Conditions:
KBG syndrome (KBGS). Also called: ANKRD11-Related KBG Syndrome. Identifiers: Orphanet 2332, MedGen C0220687, MONDO:0007846, OMIM 148050.
Inborn genetic diseases. Identifiers: MedGen C0950123, MeSH D030342.

Allele frequency attached by ClinVar (database versions not stated): gnomAD exomes below 0.00001; ExAC 0.00001; TOPMed 0.00001; gnomAD 0.00003; 1000 Genomes Project 30x 0.00016; 1000 Genomes Project 0.00020.
gnomAD v4.1: 13 of 1,614,160 alleles (0.00081%); highest among the groups gnomAD compares: African/African-American, 0.0027%; no homozygotes.

Submissions (2):

Ambry Genetics
Classification: Uncertain significance for Inborn genetic diseases. Last evaluated: 2025-08-13. Review status: criteria provided, single submitter. Criteria: Ambry Variant Classification Scheme 2023. Collection method: clinical testing. Allele origin: germline.

Labcorp Genetics (formerly Invitae), Labcorp
Classification: Uncertain significance for KBG syndrome. Last evaluated: 2024-08-05. Review status: criteria provided, single submitter. Criteria: Invitae Variant Classification Sherloc (09022015). Collection method: clinical testing. Allele origin: germline.
Comment: This sequence change replaces asparagine, which is neutral and polar, with serine, which is neutral and polar, at codon 550 of the ANKRD11 protein (p.Asn550Ser). This variant is present in population databases (rs201357873, gnomAD 0.007%). This variant has not been reported in the literature in individuals affected with ANKRD11-related conditions. Advanced modeling of protein sequence and biophysical properties (such as structural, functional, and spatial information, amino acid conservation, physicochemical variation, residue mobility, and thermodynamic stability) performed at Invitae indicates that this missense variant is not expected to disrupt ANKRD11 protein function with a negative predictive value of 95%. In summary, the available evidence is currently insufficient to determine the role of this variant in disease. Therefore, it has been classified as a Variant of Uncertain Significance.